The following is an entry in ClinVar:

NM_000525.4(KCNJ11):c.901C>G (p.Arg301Gly)

Gene: KCNJ11 (potassium inwardly rectifying channel subfamily J member 11; minus strand). Cytogenetic location: 11p15.1.
Variant type: single nucleotide variant.
Coding change: c.901C>G on transcript NM_000525.4 (MANE Select); coding-DNA position 901, C replaced by G.
Protein change: p.Arg301Gly; replaces arginine 301 with glycine.
Molecular consequence: missense variant.
Genome position (GRCh38, 1-based): chr11:17,387,191, G>C on the plus strand (C>G on the coding strand, the complement: KCNJ11 is on the minus strand). VCF-style: chr11-17387191-G-C. GRCh37 (hg19) VCF-style: chr11-17408738-G-C.
Other names: c.901C>G (NM_000525.3); c.640C>G, p.Arg214Gly (NM_001166290.2, NM_001377296.1, NM_001377297.1); short protein forms R214G, R301G.
Identifiers: ClinVar variation 1501753 (VCV001501753.11), dbSNP rs377091338, ClinGen allele CA379770021.

ClinVar aggregate classification (germline): Pathogenic/Likely pathogenic. Review status: criteria provided, multiple submitters, no conflicts (2 of 4 stars). 4 submissions from 4 submitters: Pathogenic (2); Likely pathogenic (2). Last evaluated 2025-07-11.

Conditions:
KCNJ11-related disorder. Also called: KCNJ11-related disorders; KCNJ11-related condition.
Familial hyperinsulinism. Also called: Congenital hyperinsulinism. Identifiers: Orphanet 276525, MedGen C3888018, MONDO:0017182. Disease mechanism: loss of function.

Submissions (4):

Women's Health and Genetics/Laboratory Corporation of America, LabCorp
Classification: Pathogenic for Familial hyperinsulinism. Last evaluated: 2025-07-11. Review status: criteria provided, single submitter. Criteria: LabCorp Variant Classification Summary - May 2015. Collection method: clinical testing. Allele origin: germline.
Comment: Variant summary: KCNJ11 c.901C>G (p.Arg301Gly) results in a non-conservative amino acid change in the encoded protein sequence. Algorithms developed to predict the effect of missense changes on protein structure and function all suggest that this variant is likely to be disruptive. The variant was absent in 251448 control chromosomes. c.901C>G has been observed in at-least one individual affected with Congenital Hyperinsulinism (example: Lin_2008). Different variant affecting the same codon have been classified as likely pathogenic/pathogenic by our lab (p.Arg301Cys and p.Arg301His), supporting the critical relevance of codon 301 to KCNJ11 protein function. At least one publication reports experimental evidence evaluating an impact on protein function. The most pronounced variant effect results in abolished normal activity of KCNJ11 (Lin_2008). The following publication has been ascertained in the context of this evaluation (PMID: 18250167). ClinVar contains an entry for this variant (Variation ID: 1501753). Based on the evidence outlined above, the variant was classified as pathogenic.

GeneDx
Classification: Likely pathogenic. Last evaluated: 2024-12-12. Review status: criteria provided, single submitter. Criteria: GeneDx Variant Classification Process June 2021. Collection method: clinical testing. Allele origin: germline. Affected: yes.
Comment: Published functional studies demonstrate reduced surface expression and channel activity (PMID: 18250167); Not observed at significant frequency in large population cohorts (gnomAD); In silico analysis supports that this missense variant has a deleterious effect on protein structure/function; This variant is associated with the following publications: (PMID: 23275527, 36339418, 18250167, 24401662, 38675722)

Labcorp Genetics (formerly Invitae), Labcorp
Classification: Pathogenic. Last evaluated: 2023-10-03. Review status: criteria provided, single submitter. Criteria: Invitae Variant Classification Sherloc (09022015). Collection method: clinical testing. Allele origin: germline.
Comment: This sequence change replaces arginine, which is basic and polar, with glycine, which is neutral and non-polar, at codon 301 of the KCNJ11 protein (p.Arg301Gly). This variant is not present in population databases (gnomAD no frequency). This missense change has been observed in individuals with congenital hyperinsulinism (PMID: 18250167, 23275527, 24401662). ClinVar contains an entry for this variant (Variation ID: 1501753). Advanced modeling of protein sequence and biophysical properties (such as structural, functional, and spatial information, amino acid conservation, physicochemical variation, residue mobility, and thermodynamic stability) performed at Invitae indicates that this missense variant is expected to disrupt KCNJ11 protein function. Experimental studies have shown that this missense change affects KCNJ11 function (PMID: 18250167). This variant disrupts the p.Arg301 amino acid residue in KCNJ11. Other variant(s) that disrupt this residue have been determined to be pathogenic (PMID: 20685672, 23275527; Invitae). This suggests that this residue is clinically significant, and that variants that disrupt this residue are likely to be disease-causing. For these reasons, this variant has been classified as Pathogenic.

Blueprint Genetics
Classification: Likely pathogenic for KCNJ11-related disorders. Last evaluated: 2023-01-26. Review status: criteria provided, single submitter. Criteria: ACMG Guidelines, 2015. Collection method: clinical testing. Allele origin: germline. Affected: yes. Observed: 2 variant alleles.

Literature cited by the submitters: PubMed 18250167 (cited by Women's Health and Genetics/Laboratory Corporation of America, LabCorp and Labcorp Genetics (formerly Invitae), Labcorp); PubMed 23275527 (cited by Labcorp Genetics (formerly Invitae), Labcorp); PubMed 24401662 (cited by Labcorp Genetics (formerly Invitae), Labcorp); PubMed 20685672 (cited by Labcorp Genetics (formerly Invitae), Labcorp).